The following is an entry in ClinVar:

NM_018975.4(TERF2IP):c.895GAA[7] (p.Glu304_Lys305insGlu)

Gene: TERF2IP (TERF2 interacting protein; plus strand). Cytogenetic location: 16q23.1.
Variant type: Microsatellite.
Coding change: c.895GAA[7] on transcript NM_018975.4 (MANE Select); seven copies in a row of the 3-base unit GAA starting at c.895; the reference has six copies in a row; one copy, 3 bases duplicated.
Protein change: p.Glu304_Lys305insGlu.
Molecular consequence: inframe insertion. On other transcripts: non-coding transcript variant (1).
Genome position (GRCh38, 1-based): chr16:75,656,321-75,656,323, GAA duplicated; duplicating any 3 consecutive bases within chr16:75,656,306-75,656,323 gives the same sequence; the position shown is the placement nearest the transcript's 3' end. VCF-style (leftmost placement, unchanged base first): chr16-75656305-G-GGAA. GRCh37 (hg19) VCF-style: chr16-75690203-G-GGAA.
Identifiers: ClinVar variation 4751753 (VCV004751753.1).

ClinVar aggregate classification (germline): Uncertain significance (1 of 4 stars; one submission).

Submission:

Labcorp Genetics (formerly Invitae), Labcorp
Classification: Uncertain significance. Last evaluated: 2025-09-01. Review status: criteria provided, single submitter. Criteria: Invitae Variant Classification Sherloc (09022015). Collection method: clinical testing. Allele origin: germline.
Comment: This variant, c.910_912dup, results in the insertion of 1 amino acid(s) of the TERF2IP protein (p.Glu304dup), but otherwise preserves the integrity of the reading frame. This variant is present in population databases (rs747026590, gnomAD 0.03%). This variant has not been reported in the literature in individuals affected with TERF2IP-related conditions. In summary, the available evidence is currently insufficient to determine the role of this variant in disease. Therefore, it has been classified as a Variant of Uncertain Significance.